The following is an entry in ClinVar:

ClinVar aggregate classification (germline): Uncertain significance (1 of 4 stars; one submission).

Conditions:
Atrial fibrillation, familial, 6 (ATFB6). Identifiers: MedGen C2677294, MONDO:0012816, OMIM 612201.

Allele frequency attached by ClinVar (database versions not stated): TOPMed below 0.00001; gnomAD 0.00001.
gnomAD v4.1: 12 of 1,603,280 alleles (0.00075%); highest among the groups gnomAD compares: Non-Finnish European, 0.00085%; no homozygotes.

Submission:

Labcorp Genetics (formerly Invitae), Labcorp
Classification: Uncertain significance for Atrial fibrillation, familial, 6. Last evaluated: 2026-01-12. Review status: criteria provided, single submitter. Criteria: Invitae Variant Classification Sherloc (09022015). Collection method: clinical testing. Allele origin: germline.
Comment: This sequence change replaces serine, which is neutral and polar, with arginine, which is basic and polar, at codon 124 of the NPPA protein (p.Ser124Arg). This variant is not present in population databases (gnomAD no frequency). This variant has not been reported in the literature in individuals affected with NPPA-related conditions. ClinVar contains an entry for this variant (Variation ID: 1446927). An algorithm developed to predict the effect of missense changes on protein structure and function (PolyPhen-2) suggests that this variant is likely to be disruptive. In summary, the available evidence is currently insufficient to determine the role of this variant in disease. Therefore, it has been classified as a Variant of Uncertain Significance.

NM_006172.4(NPPA):c.372C>A (p.Ser124Arg)

Genes: NPPA (natriuretic peptide A; minus strand), NPPA-AS1 (NPPA antisense RNA 1; plus strand), LOC114827827 (VISTA enhancer hs2123; plus strand). Cytogenetic location: 1p36.22.
Variant type: single nucleotide variant.
Coding change: c.372C>A on transcript NM_006172.4 (MANE Select); coding-DNA position 372, C replaced by A.
Protein change: p.Ser124Arg; replaces serine 124 with arginine.
Molecular consequence: missense variant.
Genome position (GRCh38, 1-based): chr1:11,847,191, G>T on the plus strand (C>A on the coding strand, the complement: NPPA is on the minus strand). VCF-style: chr1-11847191-G-T. GRCh37 (hg19) VCF-style: chr1-11907248-G-T.
Other names: short protein forms S124R.
Identifiers: ClinVar variation 1446927 (VCV001446927.8), dbSNP rs978766447, ClinGen allele CA338449322.